The following is an entry in ClinVar:

ClinVar aggregate classification (germline): Conflicting classifications of pathogenicity. Review status: criteria provided, conflicting classifications (1 of 4 stars). 15 submissions from 15 submitters: Uncertain significance (1); Benign (7); Likely benign (5). 2 of the submissions do not count toward it. Last evaluated 2026-04-01.

Conditions:
Connective tissue disorder. Also called: Connective tissue disease. Identifiers: MedGen C0009782, MONDO:0003900.
Familial thoracic aortic aneurysm and aortic dissection (TAAD). Also called: Thoracic aortic aneurysms and dissections. Identifiers: Orphanet 91387, MedGen C4707243, MONDO:0019625.
Aortic aneurysm, familial thoracic 4 (AAT4). Also called: AORTIC ANEURYSM/AORTIC DISSECTION AND PATENT DUCTUS ARTERIOSUS. Identifiers: MedGen C1851504, MONDO:0007568, OMIM 132900.

Allele frequency attached by ClinVar (database versions not stated): gnomAD exomes 0.00131; ExAC 0.00133; gnomAD 0.00141 and 0.00150; TOPMed 0.00151; ESP Exome Variant Server 0.00246.
gnomAD v4.1: 3,686 of 1,613,992 alleles (0.23%); highest among the groups gnomAD compares: Non-Finnish European, 0.3%; 4 homozygotes.

Submissions (15):

CeGaT Center for Human Genetics Tuebingen
Classification: Likely benign. Last evaluated: 2026-04-01. Review status: criteria provided, single submitter. Criteria: CeGaT Center For Human Genetics Tuebingen Variant Classification Criteria Version 2. Collection method: clinical testing. Allele origin: germline. Affected: yes. Observed: 14 variant alleles.
Comment: MYH11: BP4, BP7

Labcorp Genetics (formerly Invitae), Labcorp
Classification: Benign for Aortic aneurysm, familial thoracic 4. Last evaluated: 2026-02-01. Review status: criteria provided, single submitter. Criteria: Invitae Variant Classification Sherloc (09022015). Collection method: clinical testing. Allele origin: germline.

ARUP Laboratories, Molecular Genetics and Genomics, ARUP Laboratories
Classification: Benign. Last evaluated: 2025-03-20. Review status: criteria provided, single submitter. Criteria: ARUP Molecular Germline Variant Investigation Process 2024. Collection method: clinical testing. Allele origin: germline.

Mayo Clinic Laboratories, Mayo Clinic
Classification: Benign. Last evaluated: 2025-01-31. Review status: criteria provided, single submitter. Criteria: ACMG Guidelines, 2015. Collection method: clinical testing. Allele origin: germline. Observed: 6 variant alleles.
Comment: BS1, BS2, BP4, BP7

Blueprint Genetics
Classification: Likely benign. Last evaluated: 2024-11-20. Review status: criteria provided, single submitter. Criteria: ACMG Guidelines, 2015. Collection method: clinical testing. Allele origin: germline.

Center for Human Genetics, Inc
Classification: Likely benign for Connective tissue disorder. Last evaluated: 2018-06-01. Review status: criteria provided, single submitter. Criteria: ACMG Guidelines, 2015. Collection method: clinical testing. Allele origin: germline. Affected: yes.

Women's Health and Genetics/Laboratory Corporation of America, LabCorp
Classification: Benign. Last evaluated: 2018-05-14. Review status: criteria provided, single submitter. Criteria: LabCorp Variant Classification Summary - May 2015. Collection method: clinical testing. Allele origin: germline.
Comment: Variant summary: MYH11 c.5587C>T alters a non-conserved nucleotide resulting in a synonymous change. 5/5 computational tools predict no significant impact on normal splicing. However, these predictions have yet to be confirmed by functional studies. The variant allele was found at a frequency of 0.0013 in 277156 control chromosomes in the gnomAD database, including 1 homozygotes. The observed variant frequency is approximately 1048-fold higher than the estimated maximal expected allele frequency for a pathogenic variant in MYH11 causing Aortopathy phenotype (1.3e-06), strongly suggesting that the variant is benign. The variant, c.5587C>T, has been reported in the literature in one individual affected with Aortopathy (van de Luijtgaarden_2015). This report does not provide unequivocal conclusions about association of the variant with Aortopathy. To our knowledge, no experimental evidence demonstrating an impact on protein function has been reported. Multiple ClinVar submissions from clinical diagnostic laboratories (evaluation after 2014) cite the variant as "likely benign/benign." Based on the evidence outlined above, the variant was classified as benign.

Color Diagnostics, LLC DBA Color Health
Classification: Benign for Familial thoracic aortic aneurysm and aortic dissection. Last evaluated: 2018-03-07. Review status: criteria provided, single submitter. Criteria: ACMG Guidelines, 2015. Collection method: clinical testing. Allele origin: germline.

Illumina Laboratory Services, Illumina
Classification: Uncertain significance for Aortic aneurysm, familial thoracic 4. Last evaluated: 2018-01-12. Review status: criteria provided, single submitter. Criteria: ICSL Variant Classification Criteria 13 December 2019. Collection method: clinical testing. Allele origin: germline.

Clinical Genetics DNA and cytogenetics Diagnostics Lab, Erasmus MC, Erasmus Medical Center
Classification: Likely benign for Aortic aneurysm, familial thoracic 4. Last evaluated: 2017-06-28. Review status: criteria provided, single submitter. Criteria: ACGS Guidelines, 2013. Collection method: clinical testing. Allele origin: germline. Affected: yes. Study: VKGL Data-share Consensus.

CHEO Genetics Diagnostic Laboratory, Children's Hospital of Eastern Ontario
Classification: Benign for Familial thoracic aortic aneurysm and aortic dissection. Last evaluated: 2016-08-16. Review status: criteria provided, single submitter. Criteria: ACMG Guidelines, 2015. Collection method: clinical testing. Allele origin: germline. Study: Canadian Open Genetics Repository.

Ambry Genetics
Classification: Likely benign for Familial thoracic aortic aneurysm and aortic dissection. Last evaluated: 2015-03-04. Review status: criteria provided, single submitter. Criteria: Ambry Variant Classification Scheme 2023. Collection method: clinical testing. Allele origin: germline.

GeneDx
Classification: Benign. Last evaluated: 2013-10-14. Review status: criteria provided, single submitter. Criteria: GeneDx Variant Classification (06012015). Collection method: clinical testing. Allele origin: germline. Affected: yes.
Comment: This variant is considered likely benign or benign based on one or more of the following criteria: it is a conservative change, it occurs at a poorly conserved position in the protein, it is predicted to be benign by multiple in silico algorithms, and/or has population frequency not consistent with disease.

Genome Diagnostics Laboratory, Amsterdam University Medical Center
Classification: Likely benign for Aortic aneurysm, familial thoracic 4. Last evaluated: 2014-11-19. Review status: no assertion criteria provided. Criteria: ACGS Guidelines, 2013. Collection method: clinical testing. Allele origin: germline. Affected: yes. Study: VKGL Data-share Consensus. Not counted in ClinVar's aggregate classification.

Genome Diagnostics Laboratory, University Medical Center Utrecht
Classification: Likely benign. Review status: no assertion criteria provided. Collection method: clinical testing. Allele origin: germline. Affected: yes. Study: VKGL Data-share Consensus. Not counted in ClinVar's aggregate classification.

Literature cited by the submitters: PubMed 26017485 (cited by Women's Health and Genetics/Laboratory Corporation of America, LabCorp).

NM_002474.3(MYH11):c.5566C>T (p.Leu1856=)

Genes: MYH11 (myosin heavy chain 11; minus strand), NDE1 (nudE neurodevelopment protein 1; plus strand). Cytogenetic location: 16p13.11.
Variant type: single nucleotide variant.
Coding change: c.5566C>T on transcript NM_002474.3 (MANE Select); coding-DNA position 5566, C replaced by T.
Protein change: p.Leu1856=; no amino-acid change (leucine 1856 retained).
Molecular consequence: synonymous variant. On other transcripts: intron variant (2).
Genome position (GRCh38, 1-based): chr16:15,715,211, G>A on the plus strand (C>T on the coding strand, the complement: MYH11 is on the minus strand). VCF-style: chr16-15715211-G-A. GRCh37 (hg19) VCF-style: chr16-15809068-G-A.
Other names: p.L1856L:CTG>TTG; p.Leu1863=; c.5587C>T, p.Leu1863= (NM_001040113.2, NM_001040114.2); c.5566C>T, p.Leu1856= (NM_022844.3); c.948-8980G>A (NM_001143979.2, NM_017668.3).
Identifiers: ClinVar variation 138357 (VCV000138357.77), dbSNP rs142639688, ClinGen allele CA292329.